The following is an entry in ClinVar:

NM_000918.4(P4HB):c.1245G>A (p.Lys415=)

Gene: P4HB (prolyl 4-hydroxylase subunit beta; minus strand). Cytogenetic location: 17q25.3.
Variant type: single nucleotide variant.
Coding change: c.1245G>A on transcript NM_000918.4 (MANE Select); coding-DNA position 1245, G replaced by A.
Protein change: p.Lys415=; no amino-acid change (lysine 415 retained).
Molecular consequence: synonymous variant.
Genome position (GRCh38, 1-based): chr17:81,845,675, C>T on the plus strand (G>A on the coding strand, the complement: P4HB is on the minus strand). VCF-style: chr17-81845675-C-T. GRCh37 (hg19) VCF-style: chr17-79803551-C-T.
Identifiers: ClinVar variation 4990252 (VCV004990252.1).

ClinVar aggregate classification (germline): Likely benign (1 of 4 stars; one submission).

Conditions:
P4HB-related disorder. Also called: P4HB-related condition.

Submission:

PreventionGenetics, part of Exact Sciences
Classification: Likely benign for P4HB-related condition. Last evaluated: 2024-10-10. Review status: criteria provided, single submitter. Criteria: ACMG Guidelines, 2015. Collection method: clinical testing. Allele origin: germline.
Comment: This variant is classified as likely benign based on ACMG/AMP sequence variant interpretation guidelines (Richards et al. 2015 PMID: 25741868, with internal and published modifications).